The following is an entry in ClinVar:

ClinVar aggregate classification (germline): Uncertain significance. Review status: criteria provided, multiple submitters, no conflicts (2 of 4 stars). 2 submissions from 2 submitters: Uncertain significance (2). Last evaluated 2025-04-08.

Conditions:
Hereditary cancer-predisposing syndrome. Also called: Hereditary neoplastic syndrome; Tumor predisposition; Neoplastic Syndromes, Hereditary; Hereditary Cancer Syndrome. Identifiers: Orphanet 140162, MedGen C0027672, MeSH D009386, MONDO:0015356.
Multiple endocrine neoplasia, type 1 (MEN1). Also called: MEN I; WERMER SYNDROME; Endocrine adenomatosis multiple; MEN 1; MEA I. Identifiers: Orphanet 652, MedGen C0025267, MeSH D018761, MONDO:0007540, OMIM 131100.

Allele frequency attached by ClinVar (database versions not stated): gnomAD exomes below 0.00001.
gnomAD v4.1: 1 of 1,597,164 alleles (0.000063%); highest among the groups gnomAD compares: Non-Finnish European, 0.000085%; no homozygotes.

Submissions (2):

Labcorp Genetics (formerly Invitae), Labcorp
Classification: Uncertain significance for Multiple endocrine neoplasia, type 1. Last evaluated: 2025-04-08. Review status: criteria provided, single submitter. Criteria: Invitae Variant Classification Sherloc (09022015). Collection method: clinical testing. Allele origin: germline.
Comment: This sequence change replaces tryptophan, which is neutral and slightly polar, with serine, which is neutral and polar, at codon 471 of the MEN1 protein (p.Trp471Ser). This variant is not present in population databases (gnomAD no frequency). This variant has not been reported in the literature in individuals affected with MEN1-related conditions. ClinVar contains an entry for this variant (Variation ID: 963085). Invitae Evidence Modeling of protein sequence and biophysical properties (such as structural, functional, and spatial information, amino acid conservation, physicochemical variation, residue mobility, and thermodynamic stability) indicates that this missense variant is not expected to disrupt MEN1 protein function with a negative predictive value of 95%. In summary, the available evidence is currently insufficient to determine the role of this variant in disease. Therefore, it has been classified as a Variant of Uncertain Significance.

Ambry Genetics
Classification: Uncertain significance for Hereditary cancer-predisposing syndrome. Last evaluated: 2025-01-30. Review status: criteria provided, single submitter. Criteria: Ambry Variant Classification Scheme 2023. Collection method: clinical testing. Allele origin: germline.
Comment: The p.W471S variant (also known as c.1412G>C), located in coding exon 9 of the MEN1 gene, results from a G to C substitution at nucleotide position 1412. The tryptophan at codon 471 is replaced by serine, an amino acid with highly dissimilar properties. This amino acid position is not well conserved in available vertebrate species. In addition, the in silico prediction for this alteration is inconclusive. Based on the available evidence, the clinical significance of this variant remains unclear.

NM_001370259.2(MEN1):c.1412G>C (p.Trp471Ser)

Gene: MEN1 (menin 1; minus strand). Cytogenetic location: 11q13.1.
Variant type: single nucleotide variant.
Coding change: c.1412G>C on transcript NM_001370259.2 (MANE Select); coding-DNA position 1412, G replaced by C.
Protein change: p.Trp471Ser; replaces tryptophan 471 with serine.
Molecular consequence: missense variant.
Genome position (GRCh38, 1-based): chr11:64,804,755, C>G on the plus strand (G>C on the coding strand, the complement: MEN1 is on the minus strand). VCF-style: chr11-64804755-C-G. GRCh37 (hg19) VCF-style: chr11-64572227-C-G.
Other names: c.1427G>C, p.Trp476Ser (NM_130800.3, NM_130801.3, NM_130802.3 and 3 more transcripts); c.1307G>C, p.Trp436Ser (NM_001370262.2, NM_001370263.2); c.1412G>C, p.Trp471Ser (NM_130799.3, NM_001370260.2, NM_001370261.2); c.1538G>C, p.Trp513Ser (NM_001370251.2); short protein forms W436S, W471S, W513S, W476S.
Identifiers: ClinVar variation 963085 (VCV000963085.10), dbSNP rs1060499991, ClinGen allele CA381179523.